The following is an entry in ClinVar:

ClinVar aggregate classification (germline): Likely benign (1 of 4 stars; one submission).

Submission:

CeGaT Center for Human Genetics Tuebingen
Classification: Likely benign. Last evaluated: 2026-03-01. Review status: criteria provided, single submitter. Criteria: CeGaT Center For Human Genetics Tuebingen Variant Classification Criteria Version 2. Collection method: clinical testing. Allele origin: germline. Affected: yes. Observed: 4 variant alleles.
Comment: BRAF: BS1

NM_004333.6(BRAF):c.1178-946_1178-943dup

Gene: BRAF (B-Raf proto-oncogene, serine/threonine kinase; minus strand). Cytogenetic location: 7q34.
Variant type: Duplication.
Coding change: c.1178-946_1178-943dup on transcript NM_004333.6 (MANE Select); 946 bases into the intron before coding-DNA position 1178 through 943 bases into the intron before coding-DNA position 1178, 4 bases duplicated (TAGA; older notation c.1178-946_1178-943dupTAGA).
Molecular consequence: intron variant.
Genome position (GRCh38, 1-based): chr7:140,784,100-140,784,103, TCTA duplicated on the plus strand (TAGA on the coding strand, the reverse complement: BRAF is on the minus strand); duplicating any 4 consecutive bases within chr7:140,784,100-140,784,104 gives the same sequence; the c. name uses the placement nearest the transcript's 3' end. VCF-style (leftmost placement, unchanged base first): chr7-140784099-T-TTCTA. GRCh37 (hg19) VCF-style: chr7-140483899-T-TTCTA.
Other names: c.1178-946_1178-943dup (NM_001378474.1, NM_001378468.1, NM_001354609.2); c.1076-946_1076-943dup (NM_001378470.1); c.914-946_914-943dup (NM_001378475.1); c.1141-1020_1141-1017dup (NM_001378471.1); c.1298-946_1298-943dup (NM_001374258.1, NM_001374244.1); c.1187-946_1187-943dup (NM_001378467.1); c.1022-946_1022-943dup (NM_001378472.1, NM_001378473.1); c.1178-1012_1178-1009dup (NM_001378469.1).
Identifiers: ClinVar variation 2658031 (VCV002658031.24), dbSNP rs548378960, ClinGen allele CA168092256.